The following is an entry in ClinVar:

ClinVar aggregate classification (germline): Uncertain significance (1 of 4 stars; one submission).

Conditions:
Hereditary sensory and autonomic neuropathy with spastic paraplegia (HSNSP). Identifiers: Orphanet 139578, MedGen C1850395, MONDO:0009748, OMIM 256840.

Submission:

Labcorp Genetics (formerly Invitae), Labcorp
Classification: Uncertain significance for Hereditary sensory and autonomic neuropathy with spastic paraplegia. Last evaluated: 2025-10-06. Review status: criteria provided, single submitter. Criteria: Invitae Variant Classification Sherloc (09022015). Collection method: clinical testing. Allele origin: germline.
Comment: This sequence change replaces cysteine, which is neutral and slightly polar, with serine, which is neutral and polar, at codon 377 of the CCT5 protein (p.Cys377Ser). Information on the frequency of this variant in the gnomAD database is not available, as this variant may be reported differently in the database. This variant has not been reported in the literature in individuals affected with CCT5-related conditions. An algorithm developed to predict the effect of missense changes on protein structure and function (PolyPhen-2) suggests that this variant is likely to be disruptive. In summary, the available evidence is currently insufficient to determine the role of this variant in disease. Therefore, it has been classified as a Variant of Uncertain Significance.

NM_012073.5(CCT5):c.1130_1131delinsCG (p.Cys377Ser)

Gene: CCT5 (chaperonin containing TCP1 subunit 5; plus strand). Cytogenetic location: 5p15.2.
Variant type: Indel.
Coding change: c.1130_1131delinsCG on transcript NM_012073.5 (MANE Select); coding-DNA positions 1130 to 1131, GT replaced by CG.
Protein change: p.Cys377Ser; replaces cysteine 377 with serine.
Molecular consequence: missense variant.
Genome position (GRCh38, 1-based): chr5:10,261,696-10,261,697, GT replaced by CG. VCF-style: chr5-10261696-GT-CG. GRCh37 (hg19) VCF-style: chr5-10261808-GT-CG.
Other names: c.1067_1068delinsCG, p.Cys356Ser (NM_001306153.1); c.965_966delinsCG, p.Cys322Ser (NM_001306154.2); c.851_852delinsCG, p.Cys284Ser (NM_001306155.2); c.1016_1017delinsCG, p.Cys339Ser (NM_001306156.2); short protein forms C322S, C356S, C284S, C377S, C339S.
Identifiers: ClinVar variation 4728421 (VCV004728421.1).
Genomic context (GRCh38, chr5:10,261,696, plus strand): 5'-GTCTTGTACAGGAGATCTCATTTGGGACAACTAAGGATAAAATGCTGGTCATCGAGCAGT[GT>CG]AAGAACTCCAGAGCTGTAACCATTTTTATTAGAGGAGGAAATAAGATGGTGAGAATTCAA-3'
Protein context (NP_036205.1, residues 367-387): TKDKMLVIEQ[Cys377Ser]KNSRAVTIFI